The following is an entry in ClinVar:

ClinVar aggregate classification (germline): Uncertain significance (1 of 4 stars; one submission).

Conditions:
Cardiovascular phenotype. Identifiers: MedGen CN230736.
Hereditary cancer-predisposing syndrome. Also called: Tumor predisposition; Hereditary neoplastic syndrome; Neoplastic Syndromes, Hereditary; Hereditary Cancer Syndrome. Identifiers: Orphanet 140162, MedGen C0027672, MeSH D009386, MONDO:0015356.

Submission:

Ambry Genetics
Classification: Uncertain significance for Cardiovascular phenotype; Hereditary cancer-predisposing syndrome. Last evaluated: 2025-04-12. Review status: criteria provided, single submitter. Criteria: Ambry Variant Classification Scheme 2023. Collection method: clinical testing. Allele origin: germline.
Comment: The p.N1652H variant (also known as c.4954A>C), located in coding exon 36 of the NF1 gene, results from an A to C substitution at nucleotide position 4954. The asparagine at codon 1652 is replaced by histidine, an amino acid with similar properties. This amino acid position is conserved. In addition, the in silico prediction for this alteration is inconclusive. Based on the available evidence, the clinical significance of this variant remains unclear.

NM_001042492.3(NF1):c.5017A>C (p.Asn1673His)

Gene: NF1 (neurofibromin 1; plus strand). Cytogenetic location: 17q11.2.
Variant type: single nucleotide variant.
Coding change: c.5017A>C on transcript NM_001042492.3 (MANE Select); coding-DNA position 5017, A replaced by C.
Protein change: p.Asn1673His; replaces asparagine 1673 with histidine.
Molecular consequence: missense variant.
Genome position (GRCh38, 1-based): chr17:31,326,001, A>C. VCF-style: chr17-31326001-A-C. GRCh37 (hg19) VCF-style: chr17-29653019-A-C.
Other names: c.4954A>C, p.Asn1652His (NM_000267.4); short protein forms N1652H, N1673H.
Identifiers: ClinVar variation 4021799 (VCV004021799.1).